The following is an entry in ClinVar:

ClinVar aggregate classification (germline): Uncertain significance. Review status: criteria provided, multiple submitters, no conflicts (2 of 4 stars). 2 submissions from 2 submitters: Uncertain significance (2). Last evaluated 2026-04-17.

Conditions:
RP1L1-related disorder. Also called: RP1L1-related condition.

gnomAD v4.1: 2 of 1,613,248 alleles (0.00012%); highest among the groups gnomAD compares: East Asian, 0.0022%; no homozygotes.

Submissions (2):

PreventionGenetics, part of Exact Sciences
Classification: Uncertain significance for RP1L1-related condition. Last evaluated: 2026-04-17. Review status: criteria provided, single submitter. Criteria: ACMG Guidelines, 2015. Collection method: clinical testing. Allele origin: germline.
Comment: The RP1L1 c.1831C>A variant is predicted to result in the amino acid substitution p.Leu611Met. To our knowledge, this variant has not been reported in the literature or in a large population database (gnomAD), indicating this variant is rare. At this time, the clinical significance of this variant is uncertain due to the absence of conclusive functional and genetic evidence.

Blueprint Genetics
Classification: Uncertain significance. Last evaluated: 2024-11-18. Review status: criteria provided, single submitter. Criteria: ACMG Guidelines, 2015. Collection method: clinical testing. Allele origin: germline.

NM_178857.6(RP1L1):c.1831C>A (p.Leu611Met)

Gene: RP1L1 (RP1 like 1). Cytogenetic location: 8p23.1.
Variant type: single nucleotide variant.
Coding change: c.1831C>A on transcript NM_178857.6 (MANE Select); coding-DNA position 1831, C replaced by A.
Protein change: p.Leu611Met; replaces leucine 611 with methionine.
Molecular consequence: missense variant.
Genome position (GRCh38, 1-based): chr8:10,612,267, G>T on the plus strand (C>A on the coding strand, the complement: RP1L1 is on the minus strand). VCF-style: chr8-10612267-G-T. GRCh37 (hg19) VCF-style: chr8-10469777-G-T.
Other names: c.1831C>A (NM_178857.5); short protein forms L611M.
Identifiers: ClinVar variation 4899341 (VCV004899341.2).